The following is an entry in ClinVar:

ClinVar aggregate classification (germline): Uncertain significance (1 of 4 stars; one submission).

gnomAD v4.1: 1 of 1,614,218 alleles (0.000062%); highest among the groups gnomAD compares: Non-Finnish European, 0.000085%; no homozygotes.

Submission:

Ambry Genetics
Classification: Uncertain significance. Last evaluated: 2025-12-31. Review status: criteria provided, single submitter. Criteria: Ambry Variant Classification Scheme 2023. Collection method: clinical testing. Allele origin: germline.
Comment: The c.3428A>G (p.Y1143C) alteration is located in exon 19 (coding exon 18) of the DHX57 gene. This alteration results from a A to G substitution at nucleotide position 3428, causing the tyrosine (Y) at amino acid position 1143 to be replaced by a cysteine (C). Based on data from gnomAD, the G allele has an overall frequency of <0.001% (1/251376) total alleles studied. The highest observed frequency was 0.001% (1/113668) of European (non-Finnish) alleles. Based on insufficient or conflicting evidence, the clinical significance of this alteration remains unclear.

NM_198963.3(DHX57):c.3428A>G (p.Tyr1143Cys)

Gene: DHX57 (DExH-box helicase 57; minus strand). Cytogenetic location: 2p22.1.
Variant type: single nucleotide variant.
Coding change: c.3428A>G on transcript NM_198963.3 (MANE Select); coding-DNA position 3428, A replaced by G.
Protein change: p.Tyr1143Cys; replaces tyrosine 1143 with cysteine.
Molecular consequence: missense variant.
Genome position (GRCh38, 1-based): chr2:38,818,920, T>C on the plus strand (A>G on the coding strand, the complement: DHX57 is on the minus strand). VCF-style: chr2-38818920-T-C. GRCh37 (hg19) VCF-style: chr2-39046062-T-C.
Other names: c.3122A>G, p.Tyr1041Cys (NM_001329963.1); short protein forms Y1143C, Y1041C.
Identifiers: ClinVar variation 4838915 (VCV004838915.1).